The following is an entry in ClinVar:

ClinVar aggregate classification (germline): Benign (1 of 4 stars; one submission).

Conditions:
Acrodysostosis 2 with or without hormone resistance. Also called: ACRODYSOSTOSIS 2 WITH HORMONE RESISTANCE; ACRODYSOSTOSIS 2 WITHOUT HORMONE RESISTANCE. Identifiers: Orphanet 280651, MedGen C3553250, MONDO:0013822, OMIM 614613.

Allele frequency attached by ClinVar (database versions not stated): gnomAD 0.00005 and 0.00008; TOPMed 0.00010; 1000 Genomes Project 30x 0.00031; 1000 Genomes Project 0.00040.

Submission:

Illumina Laboratory Services, Illumina
Classification: Benign for Acrodysostosis 2 with or without hormone resistance. Last evaluated: 2018-01-13. Review status: criteria provided, single submitter. Criteria: ICSL Variant Classification Criteria 13 December 2019. Collection method: clinical testing. Allele origin: germline.
Comment: This variant was observed in the ICSL laboratory as part of a predisposition screen in an ostensibly healthy population. It had not been previously curated by ICSL or reported in the Human Gene Mutation Database (HGMD: prior to June 1st, 2018), and was therefore a candidate for classification through an automated scoring system. Utilizing variant allele frequency, disease prevalence and penetrance estimates, and inheritance mode, an automated score was calculated to assess if this variant is too frequent to cause the disease. Based on the score and internal cut-off values, a variant classified as benign is not then subjected to further curation. The score for this variant resulted in a classification of benign for this disease.

NM_001104631.2(PDE4D):c.*1361C>T

Gene: PDE4D (phosphodiesterase 4D; minus strand). Cytogenetic location: 5q11.2.
Variant type: single nucleotide variant.
Coding change: c.*1361C>T on transcript NM_001104631.2 (MANE Select); 1361 bases downstream of the stop codon, C replaced by T.
Molecular consequence: 3 prime UTR variant.
Genome position (GRCh38, 1-based): chr5:58,973,303, G>A on the plus strand (C>T on the coding strand, the complement: PDE4D is on the minus strand). VCF-style: chr5-58973303-G-A. GRCh37 (hg19) VCF-style: chr5-58269130-G-A.
Other names: c.*1361C>T (NM_001165899.2, NM_001197218.2, NM_001197219.2 and 11 more transcripts).
Identifiers: ClinVar variation 353964 (VCV000353964.5), dbSNP rs187518449, ClinGen allele CA10624820.